The following is an entry in ClinVar:

NM_003383.5(VLDLR):c.1067-191G>A

Gene: VLDLR (very low density lipoprotein receptor; plus strand). Cytogenetic location: 9p24.2.
Variant type: single nucleotide variant.
Coding change: c.1067-191G>A on transcript NM_003383.5 (MANE Select); 191 bases into the intron before coding-DNA position 1067, G replaced by A.
Molecular consequence: intron variant.
Genome position (GRCh38, 1-based): chr9:2,644,543, G>A. VCF-style: chr9-2644543-G-A. GRCh37 (hg19) VCF-style: chr9-2644543-G-A.
Other names: c.1067-191G>A (NM_001018056.3); c.944-191G>A (NM_001322225.2, NM_001322226.2).
Identifiers: ClinVar variation 670830 (VCV000670830.1), dbSNP rs2889261, ClinGen allele CA16353234.

ClinVar aggregate classification (germline): Benign (1 of 4 stars; one submission).

Allele frequency attached by ClinVar (database versions not stated): 1000 Genomes Project 0.15116; 1000 Genomes Project 30x 0.15818; TOPMed 0.20725; gnomAD 0.21144.
gnomAD v4.1: 31,629 of 151,656 alleles (21%); highest among the groups gnomAD compares: African/African-American, 30%; 3,770 homozygotes.

Submission:

GeneDx
Classification: Benign. Last evaluated: 2018-06-14. Review status: criteria provided, single submitter. Criteria: GeneDx Variant Classification (06012015). Collection method: clinical testing. Allele origin: germline. Affected: yes.
Comment: This variant is considered likely benign or benign based on one or more of the following criteria: it is a conservative change, it occurs at a poorly conserved position in the protein, it is predicted to be benign by multiple in silico algorithms, and/or has population frequency not consistent with disease.